The following is an entry in ClinVar:

ClinVar aggregate classification (germline): Uncertain significance (1 of 4 stars; one submission).

gnomAD v4.1: 1 of 1,614,146 alleles (0.000062%); no homozygotes.

Submission:

GeneDx
Classification: Uncertain significance. Last evaluated: 2025-05-08. Review status: criteria provided, single submitter. Criteria: GeneDx Variant Classification Process June 2021. Collection method: clinical testing. Allele origin: germline. Affected: yes.
Comment: Not observed at significant frequency in large population cohorts (gnomAD); Has not been previously published as pathogenic or benign to our knowledge; In silico analysis is inconclusive as to whether the variant alters gene splicing. In the absence of RNA/functional studies, the actual effect of this sequence change is unknown.

NM_000996.4(RPL35A):c.309G>A (p.Val103=)

Genes: DRC9 (dynein regulatory complex subunit 9; minus strand), RPL35A (ribosomal protein L35a; plus strand). Cytogenetic location: 3q29.
Variant type: single nucleotide variant.
Coding change: c.309G>A on transcript NM_000996.4 (MANE Select); coding-DNA position 309, G replaced by A.
Protein change: p.Val103=; no amino-acid change (valine 103 retained).
Molecular consequence: synonymous variant. On other transcripts: intron variant (3).
Genome position (GRCh38, 1-based): chr3:197,954,147, G>A. VCF-style: chr3-197954147-G-A. GRCh37 (hg19) VCF-style: chr3-197681018-G-A.
Other names: c.309G>A, p.Val103= (NM_001316311.2); c.-50+5382C>T (NM_001323028.2); c.-60+5382C>T (NM_032263.5); c.-375+5382C>T (NM_001323029.2).
Identifiers: ClinVar variation 4528219 (VCV004528219.1).
Genomic context (GRCh38, chr3:197,954,147, plus strand): 5'-GGTTCGTGCCAAATTCCGAAGCAATCTTCCTGCTAAGGCCATTGGACACAGAATCCGAGT[G>A]GTGAGTATGGTTTTTAGCAAAATGGACGTCTGATGAATCAGACTAGGTTCAAGGTGTTGT-3'
Protein context (NP_000987.2, residues 93-110): PAKAIGHRIR[Val103=]MLYPSRI